The following is an entry in ClinVar:

NM_031220.4(PITPNM3):c.1043A>G (p.Tyr348Cys)

Gene: PITPNM3 (PITPNM family member 3; minus strand). Cytogenetic location: 17p13.2.
Variant type: single nucleotide variant.
Coding change: c.1043A>G on transcript NM_031220.4 (MANE Select); coding-DNA position 1043, A replaced by G.
Protein change: p.Tyr348Cys; replaces tyrosine 348 with cysteine.
Molecular consequence: missense variant.
Genome position (GRCh38, 1-based): chr17:6,477,071, T>C on the plus strand (A>G on the coding strand, the complement: PITPNM3 is on the minus strand). VCF-style: chr17-6477071-T-C. GRCh37 (hg19) VCF-style: chr17-6380391-T-C.
Other names: c.935A>G, p.Tyr312Cys (NM_001165966.2); short protein forms Y312C, Y348C.
Identifiers: ClinVar variation 4781295 (VCV004781295.1).

ClinVar aggregate classification (germline): Uncertain significance (1 of 4 stars; one submission).

gnomAD v4.1: 1 of 1,614,148 alleles (0.000062%); highest among the groups gnomAD compares: South Asian, 0.0011%; no homozygotes.

Submission:

Labcorp Genetics (formerly Invitae), Labcorp
Classification: Uncertain significance. Last evaluated: 2025-10-21. Review status: criteria provided, single submitter. Criteria: Invitae Variant Classification Sherloc (09022015). Collection method: clinical testing. Allele origin: germline.
Comment: This sequence change replaces tyrosine, which is neutral and polar, with cysteine, which is neutral and slightly polar, at codon 348 of the PITPNM3 protein (p.Tyr348Cys). This variant is not present in population databases (gnomAD no frequency). This variant has not been reported in the literature in individuals affected with PITPNM3-related conditions. Invitae Evidence Modeling of protein sequence and biophysical properties (such as structural, functional, and spatial information, amino acid conservation, physicochemical variation, residue mobility, and thermodynamic stability) indicates that this missense variant is not expected to disrupt PITPNM3 protein function with a negative predictive value of 80%. In summary, the available evidence is currently insufficient to determine the role of this variant in disease. Therefore, it has been classified as a Variant of Uncertain Significance.